The following is an entry in ClinVar:

NM_004064.5(CDKN1B):c.508A>G (p.Thr170Ala)

Gene: CDKN1B (cyclin dependent kinase inhibitor 1B; plus strand). Cytogenetic location: 12p13.1.
Variant type: single nucleotide variant.
Coding change: c.508A>G on transcript NM_004064.5 (MANE Select); coding-DNA position 508, A replaced by G.
Protein change: p.Thr170Ala; replaces threonine 170 with alanine.
Molecular consequence: missense variant.
Genome position (GRCh38, 1-based): chr12:12,718,857, A>G. VCF-style: chr12-12718857-A-G. GRCh37 (hg19) VCF-style: chr12-12871791-A-G.
Other names: short protein forms T170A.
Identifiers: ClinVar variation 1745256 (VCV001745256.3), dbSNP rs2497407505, ClinGen allele CA383972795.

ClinVar aggregate classification (germline): Uncertain significance (1 of 4 stars; one submission).

Conditions:
Hereditary cancer-predisposing syndrome. Also called: Hereditary Cancer Syndrome; Neoplastic Syndromes, Hereditary; Tumor predisposition; Hereditary neoplastic syndrome. Identifiers: Orphanet 140162, MedGen C0027672, MeSH D009386, MONDO:0015356.

Allele frequency attached by ClinVar (database versions not stated): gnomAD exomes 0.00001.
gnomAD v4.1: 3 of 1,614,134 alleles (0.00019%); highest among the groups gnomAD compares: South Asian, 0.0033%; no homozygotes.

Submission:

Ambry Genetics
Classification: Uncertain significance for Hereditary cancer-predisposing syndrome. Last evaluated: 2024-10-29. Review status: criteria provided, single submitter. Criteria: Ambry Variant Classification Scheme 2023. Collection method: clinical testing. Allele origin: germline.
Comment: The p.T170A variant (also known as c.508A>G), located in coding exon 2 of the CDKN1B gene, results from an A to G substitution at nucleotide position 508. The threonine at codon 170 is replaced by alanine, an amino acid with similar properties. This amino acid position is highly conserved in available vertebrate species. In addition, this alteration is predicted to be tolerated by in silico analysis. Since supporting evidence is limited at this time, the clinical significance of this alteration remains unclear.